The following is an entry in ClinVar:

ClinVar aggregate classification (germline): Pathogenic (1 of 4 stars; one submission).

Conditions:
Marfan syndrome (MFS). Also called: MARFAN SYNDROME, TYPE I; Marfan syndrome type 1; Marfan's syndrome; Marfan syndrome, classic; FBN1-Related Marfan Syndrome. Identifiers: Orphanet 284963, Orphanet 558, MedGen C0024796, MONDO:0007947, OMIM 154700.
Familial thoracic aortic aneurysm and aortic dissection (TAAD). Also called: Thoracic aortic aneurysms and dissections. Identifiers: Orphanet 91387, MedGen C4707243, MONDO:0019625.

Submission:

Labcorp Genetics (formerly Invitae), Labcorp
Classification: Pathogenic for Marfan syndrome; Familial thoracic aortic aneurysm and aortic dissection. Last evaluated: 2023-11-25. Review status: criteria provided, single submitter. Criteria: Invitae Variant Classification Sherloc (09022015). Collection method: clinical testing. Allele origin: germline.
Comment: This sequence change creates a premature translational stop signal (p.Thr2747Argfs*12) in the FBN1 gene. While this is not anticipated to result in nonsense mediated decay, it is expected to disrupt the last 125 amino acid(s) of the FBN1 protein. This variant is not present in population databases (gnomAD no frequency). This variant has not been reported in the literature in individuals affected with FBN1-related conditions. This variant disrupts a region of the FBN1 protein in which other variant(s) (p.Met2864Thr) have been determined to be pathogenic (Invitae). This suggests that this is a clinically significant region of the protein, and that variants that disrupt it are likely to be disease-causing. For these reasons, this variant has been classified as Pathogenic.

NM_000138.5(FBN1):c.8240_8241del (p.Thr2747fs)

Gene: FBN1 (fibrillin 1; minus strand). Cytogenetic location: 15q21.1.
Variant type: Deletion.
Coding change: c.8240_8241del on transcript NM_000138.5 (MANE Select); coding-DNA positions 8240 to 8241, 2 bases deleted (CA; older notation c.8240_8241delCA).
Protein change: p.Thr2747fs; shifts the reading frame from threonine 2747.
Molecular consequence: frameshift variant.
Genome position (GRCh38, 1-based): chr15:48,411,365-48,411,366, TG deleted on the plus strand (CA on the coding strand, the reverse complement: FBN1 is on the minus strand); deleting any 2 consecutive bases within chr15:48,411,365-48,411,367 gives the same sequence; the c. name uses the placement nearest the transcript's 3' end. VCF-style (leftmost placement, unchanged base first): chr15-48411364-CTG-C. GRCh37 (hg19) VCF-style: chr15-48703561-CTG-C.
Other names: c.8240_8241del, p.Thr2747fs (NM_001406716.1); short protein forms T2747fs.
Identifiers: ClinVar variation 2954224 (VCV002954224.3), dbSNP rs2505371897, ClinGen allele CA2740096562.